The following is an entry in ClinVar:

ClinVar aggregate classification (germline): Uncertain significance. Review status: criteria provided, multiple submitters, no conflicts (2 of 4 stars). 2 submissions from 2 submitters: Uncertain significance (2). Last evaluated 2025-12-23.

Conditions:
RASopathy. Also called: Noonan spectrum disorder; rasopathies. Identifiers: Orphanet 536391, MedGen C5555857, MONDO:0021060.

Submissions (2):

Women's Health and Genetics/Laboratory Corporation of America, LabCorp
Classification: Uncertain significance. Last evaluated: 2025-12-23. Review status: criteria provided, single submitter. Criteria: LabCorp Variant Classification Summary - May 2015. Collection method: clinical testing. Allele origin: germline.
Comment: Variant summary: NRAS c.548G>C (p.Gly183Ala) results in a non-conservative amino acid change in the encoded protein sequence. Algorithms developed to predict the effect of missense changes on protein structure and function are either unavailable or do not agree on the potential impact of this missense change. The variant allele was found at a frequency of 4e-06 in 251450 control chromosomes. The available data on variant occurrences in the general population are insufficient to allow any conclusion about variant significance. c.548G>C has been observed in individual(s) affected with melanoma (example: Yamazawa_2025). These report(s) do not provide unequivocal conclusions about association of the variant with Noonan syndrome. To our knowledge, no experimental evidence demonstrating an impact on protein function has been reported. The following publication has been ascertained in the context of this evaluation (PMID: 40075463). No submitters have cited clinical-significance assessments for this variant to ClinVar. Based on the evidence outlined above, the variant was classified as uncertain significance.

Labcorp Genetics (formerly Invitae), Labcorp
Classification: Uncertain significance for RASopathy. Last evaluated: 2025-09-23. Review status: criteria provided, single submitter. Criteria: Invitae Variant Classification Sherloc (09022015). Collection method: clinical testing. Allele origin: germline.
Comment: This sequence change replaces glycine, which is neutral and non-polar, with alanine, which is neutral and non-polar, at codon 183 of the NRAS protein (p.Gly183Ala). This variant is present in population databases (rs559507315, gnomAD 0.005%). This variant has not been reported in the literature in individuals affected with NRAS-related conditions. Invitae Evidence Modeling of protein sequence and biophysical properties (such as structural, functional, and spatial information, amino acid conservation, physicochemical variation, residue mobility, and thermodynamic stability) indicates that this missense variant is not expected to disrupt NRAS protein function with a negative predictive value of 95%. In summary, the available evidence is currently insufficient to determine the role of this variant in disease. Therefore, it has been classified as a Variant of Uncertain Significance.

Literature cited by the submitters: PubMed 40075463 (cited by Women's Health and Genetics/Laboratory Corporation of America, LabCorp).

NM_002524.5(NRAS):c.548G>C (p.Gly183Ala)

Gene: NRAS (NRAS proto-oncogene, GTPase; minus strand). Cytogenetic location: 1p13.2.
Variant type: single nucleotide variant.
Coding change: c.548G>C on transcript NM_002524.5 (MANE Select); coding-DNA position 548, G replaced by C.
Protein change: p.Gly183Ala; replaces glycine 183 with alanine.
Molecular consequence: missense variant.
Genome position (GRCh38, 1-based): chr1:114,708,557, C>G on the plus strand (G>C on the coding strand, the complement: NRAS is on the minus strand). VCF-style: chr1-114708557-C-G. GRCh37 (hg19) VCF-style: chr1-115251178-C-G.
Other names: short protein forms G183A.
Identifiers: ClinVar variation 4688900 (VCV004688900.2).